The following is an entry in ClinVar:

ClinVar aggregate classification (germline): Uncertain significance (1 of 4 stars; one submission).

Allele frequency attached by ClinVar (database versions not stated): gnomAD exomes below 0.00001 and 0.00001; ExAC 0.00001; gnomAD 0.00001; TOPMed 0.00002.
gnomAD v4.1: 3 of 1,611,858 alleles (0.00019%); highest among the groups gnomAD compares: Admixed American, 0.0017%; no homozygotes.

Submission:

GeneDx
Classification: Uncertain significance. Last evaluated: 2021-05-24. Review status: criteria provided, single submitter. Criteria: GeneDx Variant Classification Process June 2021. Collection method: clinical testing. Allele origin: germline. Affected: yes.
Comment: Has not been previously published as pathogenic or benign to our knowledge; In silico analysis supports that this missense variant has a deleterious effect on protein structure/function

NM_001170629.2(CHD8):c.5434A>G (p.Thr1812Ala)

Gene: CHD8 (chromodomain helicase DNA binding protein 8; minus strand). Cytogenetic location: 14q11.2.
Variant type: single nucleotide variant.
Coding change: c.5434A>G on transcript NM_001170629.2 (MANE Select); coding-DNA position 5434, A replaced by G.
Protein change: p.Thr1812Ala; replaces threonine 1812 with alanine.
Molecular consequence: missense variant.
Genome position (GRCh38, 1-based): chr14:21,394,442, T>C on the plus strand (A>G on the coding strand, the complement: CHD8 is on the minus strand). VCF-style: chr14-21394442-T-C. GRCh37 (hg19) VCF-style: chr14-21862601-T-C.
Other names: c.4597A>G, p.Thr1533Ala (NM_020920.4); short protein forms T1533A, T1812A.
Identifiers: ClinVar variation 1326629 (VCV001326629.2), dbSNP rs755228158, ClinGen allele CA7090954.